The following is an entry in ClinVar:

ClinVar aggregate classification (germline): Uncertain significance (1 of 4 stars; one submission).

Conditions:
Acyl-CoA oxidase deficiency. Also called: STRAIGHT-CHAIN ACYL-CoA OXIDASE DEFICIENCY; Pseudoneonatal adrenoleukodystrophy; Peroxisomal acyl-CoA oxidase deficiency. Identifiers: Orphanet 2971, MedGen C1849678, MONDO:0009919, OMIM 264470. Disease mechanism: loss of function.

Submission:

Labcorp Genetics (formerly Invitae), Labcorp
Classification: Uncertain significance for Acyl-CoA oxidase deficiency. Last evaluated: 2026-01-13. Review status: criteria provided, single submitter. Criteria: Invitae Variant Classification Sherloc (09022015). Collection method: clinical testing. Allele origin: germline.
Comment: This sequence change replaces alanine, which is neutral and non-polar, with valine, which is neutral and non-polar, at codon 117 of the ACOX1 protein (p.Ala117Val). This variant is not present in population databases (gnomAD no frequency). This variant has not been reported in the literature in individuals affected with ACOX1-related conditions. Invitae Evidence Modeling of protein sequence and biophysical properties (such as structural, functional, and spatial information, amino acid conservation, physicochemical variation, residue mobility, and thermodynamic stability) indicates that this missense variant is expected to disrupt ACOX1 protein function with a positive predictive value of 80%. In summary, the available evidence is currently insufficient to determine the role of this variant in disease. Therefore, it has been classified as a Variant of Uncertain Significance.

NM_004035.7(ACOX1):c.350C>T (p.Ala117Val)

Gene: ACOX1 (acyl-CoA oxidase 1; minus strand). Cytogenetic location: 17q25.1.
Variant type: single nucleotide variant.
Coding change: c.350C>T on transcript NM_004035.7 (MANE Select); coding-DNA position 350, C replaced by T.
Protein change: p.Ala117Val; replaces alanine 117 with valine.
Molecular consequence: missense variant. On other transcripts: intron variant (1).
Genome position (GRCh38, 1-based): chr17:75,960,295, G>A on the plus strand (C>T on the coding strand, the complement: ACOX1 is on the minus strand). VCF-style: chr17-75960295-G-A. GRCh37 (hg19) VCF-style: chr17-73956376-G-A.
Other names: c.236C>T, p.Ala79Val (NM_001185039.2); c.431-2729C>T (NM_007292.6); short protein forms A117V, A79V.
Identifiers: ClinVar variation 4751843 (VCV004751843.1).